The following is an entry in ClinVar:

NM_022081.6(HPS4):c.2023C>T (p.Pro675Ser)

Gene: HPS4 (HPS4 biogenesis of lysosomal organelles complex 3 subunit 2; minus strand). Cytogenetic location: 22q12.1.
Variant type: single nucleotide variant.
Coding change: c.2023C>T on transcript NM_022081.6 (MANE Select); coding-DNA position 2023, C replaced by T.
Protein change: p.Pro675Ser; replaces proline 675 with serine.
Molecular consequence: missense variant. On other transcripts: non-coding transcript variant (8), intron variant (2).
Genome position (GRCh38, 1-based): chr22:26,453,337, G>A on the plus strand (C>T on the coding strand, the complement: HPS4 is on the minus strand). VCF-style: chr22-26453337-G-A. GRCh37 (hg19) VCF-style: chr22-26849303-G-A.
Other names: c.2023C>T, p.Pro675Ser (NM_001349896.1, NM_001349898.2, NM_001349899.2); c.2077C>T, p.Pro693Ser (NM_001349900.2, NM_001349901.1); c.1781C>T, p.Thr594Ile (NM_001349902.1, NM_001349903.2); c.*548C>T (NM_001410832.1); c.2008C>T, p.Pro670Ser (NM_152841.2); c.1955+4522C>T (NM_001349905.1, NM_001349904.2); short protein forms P670S, P675S, P693S, T594I.
Identifiers: ClinVar variation 1922484 (VCV001922484.2), dbSNP rs1454576475, ClinGen allele CA411023016.

ClinVar aggregate classification (germline): Uncertain significance (1 of 4 stars; one submission).

Allele frequency attached by ClinVar (database versions not stated): gnomAD exomes 0.00003; TOPMed 0.00003.
gnomAD v4.1: 39 of 1,614,190 alleles (0.0024%); highest among the groups gnomAD compares: Admixed American, 0.005%; no homozygotes.

Submission:

Labcorp Genetics (formerly Invitae), Labcorp
Classification: Uncertain significance. Last evaluated: 2022-08-04. Review status: criteria provided, single submitter. Criteria: Invitae Variant Classification Sherloc (09022015). Collection method: clinical testing. Allele origin: germline.
Comment: This sequence change replaces proline, which is neutral and non-polar, with serine, which is neutral and polar, at codon 675 of the HPS4 protein (p.Pro675Ser). This variant is present in population databases (no rsID available, gnomAD 0.009%). This variant has not been reported in the literature in individuals affected with HPS4-related conditions. Algorithms developed to predict the effect of missense changes on protein structure and function output the following: SIFT: "Tolerated"; PolyPhen-2: "Benign"; Align-GVGD: "Class C0". The serine amino acid residue is found in multiple mammalian species, which suggests that this missense change does not adversely affect protein function. In summary, the available evidence is currently insufficient to determine the role of this variant in disease. Therefore, it has been classified as a Variant of Uncertain Significance.